The following is an entry in ClinVar:

ClinVar aggregate classification (germline): Uncertain significance. Review status: criteria provided, multiple submitters, no conflicts (2 of 4 stars). 3 submissions from 3 submitters: Uncertain significance (3). Last evaluated 2025-02-15.

Conditions:
Inborn genetic diseases. Identifiers: MedGen C0950123, MeSH D030342.

Submissions (3):

Ambry Genetics
Classification: Uncertain significance for Inborn genetic diseases. Last evaluated: 2025-02-15. Review status: criteria provided, single submitter. Criteria: Ambry Variant Classification Scheme 2023. Collection method: clinical testing. Allele origin: germline.
Comment: The p.M717K variant (also known as c.2150T>A), located in coding exon 1 of the SAMD9 gene, results from a T to A substitution at nucleotide position 2150. The methionine at codon 717 is replaced by lysine, an amino acid with similar properties. This amino acid position is conserved. In addition, this alteration is predicted to be tolerated by in silico analysis. Based on the available evidence, the clinical significance of this variant remains unclear.

Labcorp Genetics (formerly Invitae), Labcorp
Classification: Uncertain significance. Last evaluated: 2023-11-03. Review status: criteria provided, single submitter. Criteria: Invitae Variant Classification Sherloc (09022015). Collection method: clinical testing. Allele origin: germline.
Comment: This sequence change replaces methionine, which is neutral and non-polar, with lysine, which is basic and polar, at codon 717 of the SAMD9 protein (p.Met717Lys). This variant is not present in population databases (gnomAD no frequency). This variant has not been reported in the literature in individuals affected with SAMD9-related conditions. ClinVar contains an entry for this variant (Variation ID: 1337473). Algorithms developed to predict the effect of missense changes on protein structure and function output the following: SIFT: "Not Available"; PolyPhen-2: "Benign"; Align-GVGD: "Not Available". The lysine amino acid residue is found in multiple mammalian species, which suggests that this missense change does not adversely affect protein function. In summary, the available evidence is currently insufficient to determine the role of this variant in disease. Therefore, it has been classified as a Variant of Uncertain Significance.

Genetic Services Laboratory, University of Chicago
Classification: Uncertain significance. Last evaluated: 2019-12-16. Review status: criteria provided, single submitter. Criteria: ACMG Guidelines, 2015. Collection method: clinical testing. Allele origin: germline. Affected: no.
Comment: DNA sequence analysis of the SAMD9 gene demonstrated a sequence change, c.2150T>A, in exon 3 that results in an amino acid change, p.Met717Lys. This sequence change does not appear to have been previously described in patients with SAMD9-related disorders. It is absent from the large population databases (ExAC and gnomAD). The p.Met717Lys change affects a moderately conserved amino acid residue located in a domain of the SAMD9 protein that is not known to be functional. In-silico pathogenicity prediction tools (SIFT, PolyPhen2, Align GVGD, REVEL) provide contradictory results for the p.Met717Lys substitution. Due to these contrasting evidences and the lack of functional studies, the clinical significance of the p.Met717Lys change remains unknown at this time.

NM_017654.4(SAMD9):c.2150T>A (p.Met717Lys)

Gene: SAMD9 (sterile alpha motif domain containing 9; minus strand). Cytogenetic location: 7q21.2.
Variant type: single nucleotide variant.
Coding change: c.2150T>A on transcript NM_017654.4 (MANE Select); coding-DNA position 2150, T replaced by A.
Protein change: p.Met717Lys; replaces methionine 717 with lysine.
Molecular consequence: missense variant.
Genome position (GRCh38, 1-based): chr7:93,103,948, A>T on the plus strand (T>A on the coding strand, the complement: SAMD9 is on the minus strand). VCF-style: chr7-93103948-A-T. GRCh37 (hg19) VCF-style: chr7-92733261-A-T.
Other names: c.2150T>A, p.Met717Lys (NM_001193307.2); short protein forms M717K.
Identifiers: ClinVar variation 1337473 (VCV001337473.8), dbSNP rs1791583016, ClinGen allele CA368192692.